The following is an entry in ClinVar:

NM_016151.4(TAOK2):c.3454G>T (p.Val1152Phe)

Gene: TAOK2 (TAO kinase 2; plus strand). Cytogenetic location: 16p11.2.
Variant type: single nucleotide variant.
Coding change: c.3454G>T on transcript NM_016151.4 (MANE Select); coding-DNA position 3454, G replaced by T.
Protein change: p.Val1152Phe; replaces valine 1152 with phenylalanine.
Molecular consequence: missense variant. On other transcripts: intron variant (1).
Genome position (GRCh38, 1-based): chr16:29,987,726, G>T. VCF-style: chr16-29987726-G-T. GRCh37 (hg19) VCF-style: chr16-29999047-G-T.
Other names: c.3115G>T, p.Val1039Phe (NM_001252043.2); c.2232+1222G>T (NM_004783.4); short protein forms V1152F, V1039F.
Identifiers: ClinVar variation 1395545 (VCV001395545.8), dbSNP rs1388636808, ClinGen allele CA395500876.

ClinVar aggregate classification (germline): Uncertain significance (1 of 4 stars; one submission).

Allele frequency attached by ClinVar (database versions not stated): TOPMed 0.00001.

Submission:

Labcorp Genetics (formerly Invitae), Labcorp
Classification: Uncertain significance. Last evaluated: 2021-06-07. Review status: criteria provided, single submitter. Criteria: Invitae Variant Classification Sherloc (09022015). Collection method: clinical testing. Allele origin: germline.
Comment: This sequence change replaces valine with phenylalanine at codon 1152 of the TAOK2 protein (p.Val1152Phe). The valine residue is weakly conserved and there is a small physicochemical difference between valine and phenylalanine. This variant is not present in population databases (ExAC no frequency). This variant has not been reported in the literature in individuals with TAOK2-related conditions. Algorithms developed to predict the effect of missense changes on protein structure and function (SIFT, PolyPhen-2, Align-GVGD) all suggest that this variant is likely to be tolerated, but these predictions have not been confirmed by published functional studies and their clinical significance is uncertain. In summary, the available evidence is currently insufficient to determine the role of this variant in disease. Therefore, it has been classified as a Variant of Uncertain Significance.